The following is an entry in ClinVar:

NM_001377299.1(NDUFS2):c.777G>A (p.Glu259=)

Gene: NDUFS2 (NADH:ubiquinone oxidoreductase core subunit S2; plus strand). Cytogenetic location: 1q23.3.
Variant type: single nucleotide variant.
Coding change: c.777G>A on transcript NM_001377299.1 (MANE Select); coding-DNA position 777, G replaced by A.
Protein change: p.Glu259=; no amino-acid change (glutamic acid 259 retained).
Molecular consequence: synonymous variant. On other transcripts: non-coding transcript variant (1).
Genome position (GRCh38, 1-based): chr1:161,210,185, G>A. VCF-style: chr1-161210185-G-A. GRCh37 (hg19) VCF-style: chr1-161179975-G-A.
Other names: c.777G>A, p.Glu259= (NM_001166159.2, NM_001377298.1, NM_001377300.1 and 3 more transcripts).
Identifiers: ClinVar variation 1589328 (VCV001589328.13), dbSNP rs763804955, ClinGen allele CA1208685.
Genomic context (GRCh38, chr1:161,210,185, plus strand): 5'-GCTTATGGATGACATTTATCAGTTTTCTAAGAACTTCTCTCTTCGGCTTGATGAGTTGGA[G>A]GAGGTAAGCTAGGAGTCAATGGGAAAAATCTCTCCCCCACAAGAAGGGCTAGAGAAATAC-3'
Protein context (NP_001364228.1, residues 249-269): KNFSLRLDEL[Glu259=]ELLTNNRIWR

ClinVar aggregate classification (germline): Likely benign. Review status: criteria provided, multiple submitters, no conflicts (2 of 4 stars). 5 submissions from 5 submitters: Likely benign (4). 1 of the submissions does not count toward it. Last evaluated 2024-11-15.

Conditions:
Mitochondrial complex I deficiency, nuclear type 6. Also called: Mitochondrial complex 1 deficiency, nuclear type 6. Identifiers: MedGen C4748759, MONDO:0032611, OMIM 618228.
NDUFS2-related disorder. Also called: NDUFS2-related condition.

Allele frequency attached by ClinVar (database versions not stated): gnomAD 0.00001; gnomAD exomes 0.00001 and 0.00003; ExAC 0.00002; TOPMed 0.00002.

Submissions (5):

Blueprint Genetics
Classification: Likely benign. Last evaluated: 2024-11-15. Review status: criteria provided, single submitter. Criteria: ACMG Guidelines, 2015. Collection method: clinical testing. Allele origin: germline.

Labcorp Genetics (formerly Invitae), Labcorp
Classification: Likely benign. Last evaluated: 2023-07-21. Review status: criteria provided, single submitter. Criteria: Invitae Variant Classification Sherloc (09022015). Collection method: clinical testing. Allele origin: germline.

Genome-Nilou Lab
Classification: Likely benign for Mitochondrial complex I deficiency, nuclear type 6. Last evaluated: 2023-04-11. Review status: criteria provided, single submitter. Criteria: ACMG Guidelines, 2015. Collection method: clinical testing. Allele origin: germline. Affected: no.

Fulgent Genetics
Classification: Likely benign for Mitochondrial complex I deficiency, nuclear type 6. Last evaluated: 2022-01-21. Review status: criteria provided, single submitter. Criteria: ACMG Guidelines, 2015. Collection method: clinical testing. Allele origin: unknown.

PreventionGenetics, part of Exact Sciences
Classification: Likely benign for NDUFS2-related condition. Last evaluated: 2021-08-23. Review status: no assertion criteria provided. Collection method: clinical testing. Allele origin: germline. Not counted in ClinVar's aggregate classification.
Comment: This variant is classified as likely benign based on ACMG/AMP sequence variant interpretation guidelines (Richards et al. 2015 PMID: 25741868, with internal and published modifications).